The following is an entry in ClinVar:

NM_001048174.2(MUTYH):c.1355A>T (p.Glu452Val)

Gene: MUTYH (mutY DNA glycosylase; minus strand). Cytogenetic location: 1p34.1.
Variant type: single nucleotide variant.
Coding change: c.1355A>T on transcript NM_001048174.2 (MANE Select); coding-DNA position 1355, A replaced by T.
Protein change: p.Glu452Val; replaces glutamic acid 452 with valine.
Molecular consequence: missense variant. On other transcripts: non-coding transcript variant (2).
Genome position (GRCh38, 1-based): chr1:45,331,219, T>A on the plus strand (A>T on the coding strand, the complement: MUTYH is on the minus strand). VCF-style: chr1-45331219-T-A. GRCh37 (hg19) VCF-style: chr1-45796891-T-A.
Other names: c.1355A>T, p.Glu452Val (NM_001048171.2, NM_001048173.2, NM_001293195.2); c.1358A>T, p.Glu453Val (NM_001048172.2); c.1439A>T, p.Glu480Val (NM_001128425.2); c.1400A>T, p.Glu467Val (NM_001293190.2); c.1388A>T, p.Glu463Val (NM_001293191.2); c.1079A>T, p.Glu360Val (NM_001293192.2, NM_001293196.2); c.1010A>T, p.Glu337Val (NM_001350650.2, NM_001350651.2); c.1430A>T, p.Glu477Val (NM_012222.3); short protein forms E452V, E480V, E337V, E360V, E453V, E463V, E467V, E477V.
Identifiers: ClinVar variation 946121 (VCV000946121.13), dbSNP rs1644769384, ClinGen allele CA340132584.

ClinVar aggregate classification (germline): Uncertain significance. Review status: criteria provided, multiple submitters, no conflicts (2 of 4 stars). 3 submissions from 3 submitters: Uncertain significance (3). Last evaluated 2025-07-24.

Conditions:
Gastric cancer. Also called: Malignant tumor of stomach; Stomach cancer. Identifiers: MedGen C0024623, MeSH D013274, MONDO:0001056, OMIM 613659, HP:0012126.
Familial adenomatous polyposis 2. Also called: MUTYH-related attenuated familial adenomatous polyposis; MUTYH-associated polyposis; MUTYH Polyposis; FAP type 2; COLORECTAL ADENOMATOUS POLYPOSIS, AUTOSOMAL RECESSIVE; ADENOMAS, MULTIPLE COLORECTAL, AUTOSOMAL RECESSIVE. Identifiers: Orphanet 220460, Orphanet 247798, MedGen C3272841, MONDO:0012041, OMIM 608456.
Hereditary cancer-predisposing syndrome. Also called: Neoplastic Syndromes, Hereditary; Tumor predisposition; Hereditary neoplastic syndrome; Hereditary Cancer Syndrome. Identifiers: Orphanet 140162, MedGen C0027672, MeSH D009386, MONDO:0015356.

Submissions (3):

Ambry Genetics
Classification: Uncertain significance for Hereditary cancer-predisposing syndrome. Last evaluated: 2025-07-24. Review status: criteria provided, single submitter. Criteria: Ambry Variant Classification Scheme 2023. Collection method: clinical testing. Allele origin: germline.
Comment: The c.1439A>T variant (also known as p.E480V), located in coding exon 14 of the MUTYH gene, results from an A to T substitution at nucleotide position 1439. The glutamic acid at codon 480 is replaced by valine, an amino acid with dissimilar properties. This nucleotide position is well conserved in available vertebrate species. In silico splice site analysis predicts that this alteration may weaken the native splice donor site and will result in the creation or strengthening of a novel splice donor site. RNA studies have demonstrated that this alteration results in an incomplete splice defect; the clinical impact of this abnormal splicing is unknown at this time (Ambry internal data). Based on the available evidence, the clinical significance of this alteration remains unclear.

Labcorp Genetics (formerly Invitae), Labcorp
Classification: Uncertain significance for Familial adenomatous polyposis 2. Last evaluated: 2022-03-03. Review status: criteria provided, single submitter. Criteria: Invitae Variant Classification Sherloc (09022015). Collection method: clinical testing. Allele origin: germline.
Comment: This sequence change replaces glutamic acid, which is acidic and polar, with valine, which is neutral and non-polar, at codon 480 of the MUTYH protein (p.Glu480Val). In summary, the available evidence is currently insufficient to determine the role of this variant in disease. Therefore, it has been classified as a Variant of Uncertain Significance. This variant disrupts the p.Glu480 amino acid residue in MUTYH. Other variant(s) that disrupt this residue have been determined to be pathogenic (PMID: 12707038, 14999774, 15635083, 20418187, 20848659). This suggests that this residue is clinically significant, and that variants that disrupt this residue are likely to be disease-causing. Algorithms developed to predict the effect of sequence changes on RNA splicing suggest that this variant may disrupt the consensus splice site. Algorithms developed to predict the effect of missense changes on protein structure and function are either unavailable or do not agree on the potential impact of this missense change (SIFT: "Deleterious"; PolyPhen-2: "Possibly Damaging"; Align-GVGD: "Class C0"). ClinVar contains an entry for this variant (Variation ID: 946121). This variant has not been reported in the literature in individuals affected with MUTYH-related conditions. This variant is not present in population databases (gnomAD no frequency).

Juno Genomics, Hangzhou Juno Genomics, Inc
Classification: Uncertain significance for Familial adenomatous polyposis 2; Gastric cancer. Review status: criteria provided, single submitter. Criteria: ACMG Guidelines, 2015. Collection method: clinical testing. Allele origin: germline.
Comment: Absent from controls (or at extremely low frequency if recessive) in Genome Aggregation Database.;Multiple lines of computational evidence support a deleterious effect on the gene or gene product.

Literature cited by the submitters: PubMed 12707038 (cited by Labcorp Genetics (formerly Invitae), Labcorp); PubMed 14999774 (cited by Labcorp Genetics (formerly Invitae), Labcorp); PubMed 15635083 (cited by Labcorp Genetics (formerly Invitae), Labcorp); PubMed 20418187 (cited by Labcorp Genetics (formerly Invitae), Labcorp); PubMed 20848659 (cited by Labcorp Genetics (formerly Invitae), Labcorp).